The following is an entry in ClinVar:

ClinVar aggregate classification (germline): Uncertain significance (1 of 4 stars; one submission).

Allele frequency attached by ClinVar (database versions not stated): ExAC 0.00001; gnomAD 0.00001; gnomAD exomes 0.00001; 1000 Genomes Project 30x 0.00016; 1000 Genomes Project 0.00020.
gnomAD v4.1: 19 of 1,607,440 alleles (0.0012%); highest among the groups gnomAD compares: Middle Eastern, 0.017%; no homozygotes.

Submission:

Labcorp Genetics (formerly Invitae), Labcorp
Classification: Uncertain significance. Last evaluated: 2021-08-27. Review status: criteria provided, single submitter. Criteria: Invitae Variant Classification Sherloc (09022015). Collection method: clinical testing. Allele origin: germline.
Comment: This sequence change replaces glycine with arginine at codon 879 of the NPHS1 protein (p.Gly879Arg). The glycine residue is highly conserved and there is a moderate physicochemical difference between glycine and arginine. This variant is present in population databases (rs201505524, ExAC 0.03%). This missense change has been observed in individual(s) with clinical features of nephrotic syndrome (PMID: 15086927). Advanced modeling of protein sequence and biophysical properties (such as structural, functional, and spatial information, amino acid conservation, physicochemical variation, residue mobility, and thermodynamic stability) performed at Invitae indicates that this missense variant is expected to disrupt NPHS1 protein function. In summary, the available evidence is currently insufficient to determine the role of this variant in disease. Therefore, it has been classified as a Variant of Uncertain Significance.

Literature cited by the submitters: PubMed 15086927.

NM_004646.4(NPHS1):c.2635G>A (p.Gly879Arg)

Gene: NPHS1 (NPHS1 adhesion molecule, nephrin; minus strand). Cytogenetic location: 19q13.12.
Variant type: single nucleotide variant.
Coding change: c.2635G>A on transcript NM_004646.4 (MANE Select); coding-DNA position 2635, G replaced by A.
Protein change: p.Gly879Arg; replaces glycine 879 with arginine.
Molecular consequence: missense variant.
Genome position (GRCh38, 1-based): chr19:35,842,152, C>T on the plus strand (G>A on the coding strand, the complement: NPHS1 is on the minus strand). VCF-style: chr19-35842152-C-T. GRCh37 (hg19) VCF-style: chr19-36333054-C-T.
Other names: short protein forms G879R.
Identifiers: ClinVar variation 2138275 (VCV002138275.1), dbSNP rs201505524, ClinGen allele CA9390071.